The following is an entry in ClinVar:

NM_001351132.2(PEX5):c.1462C>A (p.Pro488Thr)

Gene: PEX5 (peroxisomal biogenesis factor 5; plus strand). Cytogenetic location: 12p13.31.
Variant type: single nucleotide variant.
Coding change: c.1462C>A on transcript NM_001351132.2 (MANE Select); coding-DNA position 1462, C replaced by A.
Protein change: p.Pro488Thr; replaces proline 488 with threonine.
Molecular consequence: missense variant.
Genome position (GRCh38, 1-based): chr12:7,209,072, C>A. VCF-style: chr12-7209072-C-A. GRCh37 (hg19) VCF-style: chr12-7361668-C-A.
Other names: c.1438C>A, p.Pro480Thr (NM_000319.5); c.1507C>A, p.Pro503Thr (NM_001131023.2); c.1351C>A, p.Pro451Thr (NM_001131024.2, NM_001351124.3, NM_001351126.2 and 7 more transcripts); c.1462C>A, p.Pro488Thr (NM_001131025.2, NM_001131026.2, NM_001300789.3 and 4 more transcripts); c.1396C>A, p.Pro466Thr (NM_001351135.3, NM_001351138.2); c.1453C>A, p.Pro485Thr (NM_001351136.2); c.1327C>A, p.Pro443Thr (NM_001351139.2, NM_001351140.2, NM_001374649.2); short protein forms P443T, P451T, P466T, P480T, P485T, P488T, P503T.
Identifiers: ClinVar variation 1713348 (VCV001713348.3), dbSNP rs931591428, ClinGen allele CA232476499.
Genomic context (GRCh38, chr12:7,209,072, plus strand): 5'-TTTCTTGAAGTGAAAGAGCTCTTCCTGGCAGCTGTGCGGCTGGACCCTACCTCCATTGAC[C>A]CTGATGTGCAGTGTGGCTTGGGAGTCCTTTTCAACCTGAGTGGGGAGTATGACAAGGCCG-3'
Protein context (NP_001338061.1, residues 478-498): AVRLDPTSID[Pro488Thr]DVQCGLGVLF

ClinVar aggregate classification (germline): Uncertain significance (1 of 4 stars; one submission).

Conditions:
Peroxisome biogenesis disorder 2B (PBD2B). Identifiers: Orphanet 44, MedGen C3550234, MONDO:0008736, OMIM 202370.

Submission:

Labcorp Genetics (formerly Invitae), Labcorp
Classification: Uncertain significance for Peroxisome biogenesis disorder 2B. Last evaluated: 2022-07-22. Review status: criteria provided, single submitter. Criteria: Invitae Variant Classification Sherloc (09022015). Collection method: clinical testing. Allele origin: germline.
Comment: This sequence change replaces proline, which is neutral and non-polar, with threonine, which is neutral and polar, at codon 488 of the PEX5 protein (p.Pro488Thr). This variant is not present in population databases (gnomAD no frequency). This variant has not been reported in the literature in individuals affected with PEX5-related conditions. Algorithms developed to predict the effect of missense changes on protein structure and function are either unavailable or do not agree on the potential impact of this missense change (SIFT: "Tolerated"; PolyPhen-2: "Probably Damaging"; Align-GVGD: "Class C0"). In summary, the available evidence is currently insufficient to determine the role of this variant in disease. Therefore, it has been classified as a Variant of Uncertain Significance.